The following is an entry in ClinVar:

ClinVar aggregate classification (germline): Benign. Review status: criteria provided, multiple submitters, no conflicts (2 of 4 stars). 5 submissions from 5 submitters: Benign (5). Last evaluated 2026-01-19.

Conditions:
Cerebral cavernous malformation 2. Also called: Familial Cerebral Cavernous Malformation 2. Identifiers: Orphanet 221061, MedGen C1864041, MONDO:0011304, OMIM 603284.

Allele frequency attached by ClinVar (database versions not stated): gnomAD 0.03813; 1000 Genomes Project 0.04213; ESP Exome Variant Server 0.04336; TOPMed 0.04378; 1000 Genomes Project 30x 0.04528.
gnomAD v4.1: 11,677 of 1,613,824 alleles (0.72%); highest among the groups gnomAD compares: African/African-American, 13%; 737 homozygotes.

Submissions (5):

Labcorp Genetics (formerly Invitae), Labcorp
Classification: Benign for Cerebral cavernous malformation 2. Last evaluated: 2026-01-19. Review status: criteria provided, single submitter. Criteria: Invitae Variant Classification Sherloc (09022015). Collection method: clinical testing. Allele origin: germline.

Blueprint Genetics
Classification: Benign. Last evaluated: 2024-11-26. Review status: criteria provided, single submitter. Criteria: ACMG Guidelines, 2015. Collection method: clinical testing. Allele origin: germline.

Mayo Clinic Laboratories, Mayo Clinic
Classification: Benign. Last evaluated: 2023-01-15. Review status: criteria provided, single submitter. Criteria: ACMG Guidelines, 2015. Collection method: clinical testing. Allele origin: germline. Observed: 46 variant alleles.

GeneDx
Classification: Benign. Last evaluated: 2018-02-14. Review status: criteria provided, single submitter. Criteria: GeneDx Variant Classification (06012015). Collection method: clinical testing. Allele origin: germline. Affected: yes.
Comment: This variant is considered likely benign or benign based on one or more of the following criteria: it is a conservative change, it occurs at a poorly conserved position in the protein, it is predicted to be benign by multiple in silico algorithms, and/or has population frequency not consistent with disease.

PreventionGenetics, part of Exact Sciences
Classification: Benign. Last evaluated: 2018-01-16. Review status: criteria provided, single submitter. Criteria: ACMG Guidelines, 2015. Collection method: clinical testing. Allele origin: germline.

NM_031443.4(CCM2):c.351G>A (p.Ala117=)

Gene: CCM2 (CCM2 scaffold protein; plus strand). Cytogenetic location: 7p13.
Variant type: single nucleotide variant.
Coding change: c.351G>A on transcript NM_031443.4 (MANE Select); coding-DNA position 351, G replaced by A.
Protein change: p.Ala117=; no amino-acid change (alanine 117 retained).
Molecular consequence: synonymous variant. On other transcripts: non-coding transcript variant (1).
Genome position (GRCh38, 1-based): chr7:45,064,525, G>A. VCF-style: chr7-45064525-G-A. GRCh37 (hg19) VCF-style: chr7-45104124-G-A.
Other names: p.Ala117=; c.414G>A, p.Ala138= (NM_001029835.2); c.177G>A, p.Ala59= (NM_001167934.2, NM_001363459.2); c.351G>A, p.Ala117= (NM_001167935.2, NM_001363458.2).
Identifiers: ClinVar variation 261970 (VCV000261970.12), dbSNP rs35888291, ClinGen allele CA4246957.